The following is an entry in ClinVar:

NM_004134.7(HSPA9):c.1944C>T (p.Phe648=)

Gene: HSPA9 (heat shock protein family A (Hsp70) member 9; minus strand). Cytogenetic location: 5q31.2.
Variant type: single nucleotide variant.
Coding change: c.1944C>T on transcript NM_004134.7 (MANE Select); coding-DNA position 1944, C replaced by T.
Protein change: p.Phe648=; no amino-acid change (phenylalanine 648 retained).
Molecular consequence: synonymous variant.
Genome position (GRCh38, 1-based): chr5:138,556,470, G>A on the plus strand (C>T on the coding strand, the complement: HSPA9 is on the minus strand). VCF-style: chr5-138556470-G-A. GRCh37 (hg19) VCF-style: chr5-137892159-G-A.
Identifiers: ClinVar variation 2655725 (VCV002655725.25), dbSNP rs148730345, ClinGen allele CA3430620.

ClinVar aggregate classification (germline): Likely benign. Review status: criteria provided, multiple submitters, no conflicts (2 of 4 stars). 2 submissions from 2 submitters: Likely benign (2). Last evaluated 2023-08-28.

Allele frequency attached by ClinVar (database versions not stated): 1000 Genomes Project 30x 0.00016; 1000 Genomes Project 0.00020; ESP Exome Variant Server 0.00069.
gnomAD v4.1: 1,047 of 1,613,830 alleles (0.065%); highest among the groups gnomAD compares: Non-Finnish European, 0.084%; no homozygotes.

Submissions (2):

Blueprint Genetics
Classification: Likely benign. Last evaluated: 2023-08-28. Review status: criteria provided, single submitter. Criteria: ACMG Guidelines, 2015. Collection method: clinical testing. Allele origin: germline.

CeGaT Center for Human Genetics Tuebingen
Classification: Likely benign. Last evaluated: 2022-10-01. Review status: criteria provided, single submitter. Criteria: CeGaT Center For Human Genetics Tuebingen Variant Classification Criteria Version 2. Collection method: clinical testing. Allele origin: germline. Affected: yes. Observed: 1 variant allele.
Comment: HSPA9: BP4, BP7